The following is an entry in ClinVar:

ClinVar aggregate classification (germline): Uncertain significance. Review status: criteria provided, multiple submitters, no conflicts (2 of 4 stars). 3 submissions from 3 submitters: Uncertain significance (3). Last evaluated 2023-12-04.

Conditions:
Hereditary cancer-predisposing syndrome. Also called: Hereditary neoplastic syndrome; Tumor predisposition; Neoplastic Syndromes, Hereditary; Hereditary Cancer Syndrome. Identifiers: Orphanet 140162, MedGen C0027672, MeSH D009386, MONDO:0015356.
Familial cancer of breast. Also called: hereditary breast carcinoma; BREAST CANCER, FAMILIAL; Hereditary breast cancer. Identifiers: Orphanet 227535, MedGen C0346153, MONDO:0016419, OMIM 114480. Disease mechanism: loss of function.
Fanconi anemia complementation group J. Also called: BRIP1-Related Fanconi Anemia. Identifiers: Orphanet 84, MedGen C1836860, MONDO:0012187, OMIM 609054.

Submissions (3):

Color Diagnostics, LLC DBA Color Health
Classification: Uncertain significance for Hereditary cancer-predisposing syndrome. Last evaluated: 2023-12-04. Review status: criteria provided, single submitter. Criteria: ACMG Guidelines, 2015. Collection method: clinical testing. Allele origin: germline.
Comment: This missense variant replaces threonine with serine at codon 992 of the BRIP1 protein. Computational prediction suggests that this variant may not impact protein structure and function (internally defined REVEL score threshold <= 0.5, PMID: 27666373). To our knowledge, functional studies have not been reported for this variant. This variant has not been reported in individuals affected with BRIP1-related disorders in the literature. This variant has not been identified in the general population by the Genome Aggregation Database (gnomAD). The available evidence is insufficient to determine the role of this variant in disease conclusively. Therefore, this variant is classified as a Variant of Uncertain Significance.

St. Jude Molecular Pathology, St. Jude Children's Research Hospital
Classification: Uncertain significance for Familial cancer of breast. Last evaluated: 2023-08-29. Review status: criteria provided, single submitter. Criteria: St. Jude Assertion Criteria 2020. Collection method: clinical testing. Allele origin: germline.
Comment: The BRIP1 c.2974A>T (p.Thr992Ser) missense change is absent in gnomAD v2.1.1. The in silico tool REVEL predicts a benign effect on protein function, but to our knowledge this prediction has not been confirmed by functional studies. To our knowledge, this variant has not been reported in the literature in individuals with hereditary breast and ovarian cancer or Fanconi anemia. It is also absent in a database of women older than 70 years of age who have never had cancer (FLOSSIES database). In summary, the evidence currently available is insufficient to determine the clinical significance of this variant. It has therefore been classified as of uncertain significance.

Labcorp Genetics (formerly Invitae), Labcorp
Classification: Uncertain significance for Familial cancer of breast; Fanconi anemia complementation group J. Last evaluated: 2022-08-18. Review status: criteria provided, single submitter. Criteria: Invitae Variant Classification Sherloc (09022015). Collection method: clinical testing. Allele origin: germline.
Comment: Algorithms developed to predict the effect of missense changes on protein structure and function (SIFT, PolyPhen-2, Align-GVGD) all suggest that this variant is likely to be tolerated. In summary, the available evidence is currently insufficient to determine the role of this variant in disease. Therefore, it has been classified as a Variant of Uncertain Significance. ClinVar contains an entry for this variant (Variation ID: 861185). This variant has not been reported in the literature in individuals affected with BRIP1-related conditions. This variant is not present in population databases (gnomAD no frequency). This sequence change replaces threonine, which is neutral and polar, with serine, which is neutral and polar, at codon 992 of the BRIP1 protein (p.Thr992Ser).

NM_032043.3(BRIP1):c.2974A>T (p.Thr992Ser)

Gene: BRIP1 (BRCA1 interacting DNA helicase 1; minus strand). Cytogenetic location: 17q23.2.
Variant type: single nucleotide variant.
Coding change: c.2974A>T on transcript NM_032043.3 (MANE Select); coding-DNA position 2974, A replaced by T.
Protein change: p.Thr992Ser; replaces threonine 992 with serine.
Molecular consequence: missense variant.
Genome position (GRCh38, 1-based): chr17:61,684,072, T>A on the plus strand (A>T on the coding strand, the complement: BRIP1 is on the minus strand). VCF-style: chr17-61684072-T-A. GRCh37 (hg19) VCF-style: chr17-59761433-T-A.
Other names: short protein forms T992S.
Identifiers: ClinVar variation 861185 (VCV000861185.15), dbSNP rs1276811545, ClinGen allele CA400480631.